The following is an entry in ClinVar:

NM_001080453.3(INTS1):c.935G>A (p.Gly312Asp)

Gene: INTS1 (integrator complex subunit 1; minus strand). Cytogenetic location: 7p22.3.
Variant type: single nucleotide variant.
Coding change: c.935G>A on transcript NM_001080453.3 (MANE Select); coding-DNA position 935, G replaced by A.
Protein change: p.Gly312Asp; replaces glycine 312 with aspartic acid.
Molecular consequence: missense variant.
Genome position (GRCh38, 1-based): chr7:1,499,270, C>T on the plus strand (G>A on the coding strand, the complement: INTS1 is on the minus strand). VCF-style: chr7-1499270-C-T. GRCh37 (hg19) VCF-style: chr7-1538906-C-T.
Other names: short protein forms G312D.
Identifiers: ClinVar variation 1310857 (VCV001310857.2), dbSNP rs372131577, ClinGen allele CA4120563.

ClinVar aggregate classification (germline): Uncertain significance (1 of 4 stars; one submission).

Allele frequency attached by ClinVar (database versions not stated): gnomAD exomes below 0.00001 and 0.00001; gnomAD 0.00001; ExAC 0.00002; ESP Exome Variant Server 0.00008.
gnomAD v4.1: 2 of 1,609,640 alleles (0.00012%); highest among the groups gnomAD compares: African/African-American, 0.0013%; no homozygotes.

Submission:

GeneDx
Classification: Uncertain significance. Last evaluated: 2020-01-08. Review status: criteria provided, single submitter. Criteria: GeneDx Variant Classification Process June 2021. Collection method: clinical testing. Allele origin: germline. Affected: yes.
Comment: Has not been previously published as pathogenic or benign to our knowledge; In silico analysis, which includes protein predictors and evolutionary conservation, supports that this variant does not alter protein structure/function